The following is an entry in ClinVar:

ClinVar aggregate classification (germline): Pathogenic (1 of 4 stars; one submission).

Conditions:
Carnitine palmitoyl transferase 1A deficiency. Also called: Carnitine palmitoyltransferase 1A deficiency; CPT I DEFICIENCY; CPT DEFICIENCY, HEPATIC, TYPE I; Carnitine palmitoyltransferase type I deficiency; CPT deficiency, hepatic, type IA. Identifiers: Orphanet 156, MedGen C1829703, MONDO:0009705, OMIM 255120.

Submission:

Labcorp Genetics (formerly Invitae), Labcorp
Classification: Pathogenic for Carnitine palmitoyl transferase 1A deficiency. Last evaluated: 2023-05-10. Review status: criteria provided, single submitter. Criteria: Invitae Variant Classification Sherloc (09022015). Collection method: clinical testing. Allele origin: germline.
Comment: This sequence change creates a premature translational stop signal (p.Leu347Profs*4) in the CPT1A gene. It is expected to result in an absent or disrupted protein product. Loss-of-function variants in CPT1A are known to be pathogenic (PMID: 16169268). This variant is not present in population databases (gnomAD no frequency). This variant has not been reported in the literature in individuals affected with CPT1A-related conditions. For these reasons, this variant has been classified as Pathogenic.

Literature cited by the submitters: PubMed 16169268.

NM_001876.4(CPT1A):c.1039dup (p.Leu347fs)

Gene: CPT1A (carnitine palmitoyltransferase 1A; minus strand). Cytogenetic location: 11q13.3.
Variant type: Duplication.
Coding change: c.1039dup on transcript NM_001876.4 (MANE Select); coding-DNA position 1039, one base duplicated (C; older notation c.1039dupC).
Protein change: p.Leu347fs; shifts the reading frame from leucine 347.
Molecular consequence: frameshift variant.
Genome position (GRCh38, 1-based): chr11:68,784,939, G duplicated on the plus strand (C on the coding strand, the reverse complement: CPT1A is on the minus strand). VCF-style (leftmost placement, unchanged base first): chr11-68784938-A-AG. GRCh37 (hg19) VCF-style: chr11-68552406-A-AG.
Other names: c.1039dup, p.Leu347fs (NM_001031847.3); short protein forms L347fs.
Identifiers: ClinVar variation 2863073 (VCV002863073.3), dbSNP rs2495587883, ClinGen allele CA2739270628.